The following is an entry in ClinVar:

ClinVar aggregate classification (germline): Uncertain significance. Review status: criteria provided, multiple submitters, no conflicts (2 of 4 stars). 2 submissions from 2 submitters: Uncertain significance (2). Last evaluated 2023-06-11.

Conditions:
Hypertrophic cardiomyopathy. Also called: HYPERTROPHIC MYOCARDIOPATHY. Identifiers: Orphanet 217569, MedGen C0007194, MeSH D002312, MONDO:0005045, HP:0001639.

Submissions (2):

Labcorp Genetics (formerly Invitae), Labcorp
Classification: Uncertain significance for Hypertrophic cardiomyopathy. Last evaluated: 2023-06-11. Review status: criteria provided, single submitter. Criteria: Invitae Variant Classification Sherloc (09022015). Collection method: clinical testing. Allele origin: germline.
Comment: In summary, the available evidence is currently insufficient to determine the role of this variant in disease. Therefore, it has been classified as a Variant of Uncertain Significance. An algorithm developed to predict the effect of missense changes on protein structure and function (PolyPhen-2) suggests that this variant is likely to be disruptive. This missense change has been observed in individual(s) with hypertrophic cardiomyopathy (PMID: 27532257). This variant is not present in population databases (gnomAD no frequency). This sequence change replaces threonine, which is neutral and polar, with isoleucine, which is neutral and non-polar, at codon 167 of the MYH7 protein (p.Thr167Ile).

Blueprint Genetics
Classification: Uncertain significance. Last evaluated: 2019-08-27. Review status: criteria provided, single submitter. Criteria: ACMG Guidelines, 2015. Collection method: clinical testing. Allele origin: germline.

Literature cited by the submitters: PubMed 27532257 (cited by Labcorp Genetics (formerly Invitae), Labcorp).

NM_000257.4(MYH7):c.500C>T (p.Thr167Ile)

Gene: MYH7 (myosin heavy chain 7; minus strand). Cytogenetic location: 14q11.2.
Variant type: single nucleotide variant.
Coding change: c.500C>T on transcript NM_000257.4 (MANE Select); coding-DNA position 500, C replaced by T.
Protein change: p.Thr167Ile; replaces threonine 167 with isoleucine.
Molecular consequence: missense variant.
Genome position (GRCh38, 1-based): chr14:23,432,641, G>A on the plus strand (C>T on the coding strand, the complement: MYH7 is on the minus strand). VCF-style: chr14-23432641-G-A. GRCh37 (hg19) VCF-style: chr14-23901850-G-A.
Other names: c.500C>T, p.Thr167Ile (NM_001407004.1); short protein forms T167I.
Identifiers: ClinVar variation 2736094 (VCV002736094.4), dbSNP rs754047820, ClinGen allele CA389052687.